The following is an entry in ClinVar:

NM_003000.3(SDHB):c.23C>T (p.Ser8Phe)

Gene: SDHB (succinate dehydrogenase complex iron sulfur subunit B; minus strand). Cytogenetic location: 1p36.13.
Variant type: single nucleotide variant.
Coding change: c.23C>T on transcript NM_003000.3 (MANE Select); coding-DNA position 23, C replaced by T.
Protein change: p.Ser8Phe; replaces serine 8 with phenylalanine.
Molecular consequence: missense variant.
Genome position (GRCh38, 1-based): chr1:17,053,997, G>A on the plus strand (C>T on the coding strand, the complement: SDHB is on the minus strand). VCF-style: chr1-17053997-G-A. GRCh37 (hg19) VCF-style: chr1-17380492-G-A.
Other names: short protein forms S8F.
Identifiers: ClinVar variation 567400 (VCV000567400.19), dbSNP rs199848267, ClinGen allele CA089553.
Genomic context (GRCh38, chr1:17,053,997, plus strand): 5'-CCAGGACTCACCTGCAGGCAGGCTCCGCCAAGGGTTGTGGCCGGCAACCGGCGCCTCAAG[G>A]AGAGGGCGACCACCGCCGCCATCTTGGCTCCTGACGTCAGCCCCACCCCTTAACCCCGAG-3'
Protein context (NP_002991.2, residues 1-18): MAAVVAL[Ser8Phe]LRRRLPATTL

ClinVar aggregate classification (germline): Uncertain significance. Review status: criteria provided, multiple submitters, no conflicts (2 of 4 stars). 7 submissions from 6 submitters: Uncertain significance (7). Last evaluated 2026-08-12.

Conditions:
Hereditary cancer-predisposing syndrome. Also called: Neoplastic Syndromes, Hereditary; Tumor predisposition; Hereditary Cancer Syndrome; Hereditary neoplastic syndrome. Identifiers: Orphanet 140162, MedGen C0027672, MeSH D009386, MONDO:0015356.
SDHB-related disorder. Also called: SDHB-related condition; SDHB-related disorders. Identifiers: MedGen CN239418.
Pheochromocytoma. Also called: MAX-Related Hereditary Paraganglioma-Pheochromocytoma Syndrome. Identifiers: Orphanet 29072, MedGen C0031511, MONDO:0008233, OMIM 171300, HP:0002666.
Gastrointestinal stromal tumor. Also called: Gastrointestinal stroma tumor; Gastrointestinal stromal tumor, somatic. Identifiers: Orphanet 44890, MedGen C0238198, MeSH D046152, MONDO:0011719, OMIM 606764, HP:0100723.
Pheochromocytoma/paraganglioma syndrome 4. Also called: CAROTID BODY TUMORS AND MULTIPLE EXTRAADRENAL PHEOCHROMOCYTOMAS; PARAGANGLIOMA, FAMILIAL MALIGNANT; PARAGANGLIOMAS, HEREDITARY EXTRAADRENAL; PHEOCHROMOCYTOMA, FAMILIAL EXTRAADRENAL; Paragangliomas 4; SDHB-Related Hereditary Paraganglioma-Pheochromocytoma Syndrome (Paragangliomas 4). Identifiers: Orphanet 29072, MedGen C1861848, MONDO:0007273, OMIM 115310.

gnomAD v4.1: 16 of 1,612,638 alleles (0.00099%); highest among the groups gnomAD compares: African/African-American, 0.0027%; no homozygotes.

Submissions (7):

PreventionGenetics, part of Exact Sciences
Classification: Uncertain significance for SDHB-related condition. Last evaluated: 2026-08-12. Review status: criteria provided, single submitter. Criteria: ACMG Guidelines, 2015. Collection method: clinical testing. Allele origin: germline.
Comment: The SDHB c.23C>T variant is predicted to result in the amino acid substitution p.Ser8Phe. This variant was reported in a patient with paraganglioma (Castellano et al 2006. PubMed ID: 17102082).  An experimental study in yeast showed this variant does not impact SDHB function (Panizza et al. 2013. PubMed ID: 23175444). This variant is reported in 0.0018% of alleles in individuals of European (Non-Finnish) descent in gnomAD. This variant is interpreted as a variant of uncertain significance in ClinVar (Variation ID: 567400﻿). At this time, the clinical significance of this variant is uncertain due to the absence of conclusive functional and genetic evidence.

Labcorp Genetics (formerly Invitae), Labcorp
Classification: Uncertain significance for Gastrointestinal stromal tumor; Pheochromocytoma/paraganglioma syndrome 4; Pheochromocytoma. Last evaluated: 2025-08-05. Review status: criteria provided, single submitter. Criteria: Invitae Variant Classification Sherloc (09022015). Collection method: clinical testing. Allele origin: germline.
Comment: This sequence change replaces serine, which is neutral and polar, with phenylalanine, which is neutral and non-polar, at codon 8 of the SDHB protein (p.Ser8Phe). This variant is present in population databases (rs199848267, gnomAD 0.002%). This missense change has been observed in individual(s) with para-adrenal paraganglioma (PMID: 17102082). ClinVar contains an entry for this variant (Variation ID: 567400). Invitae Evidence Modeling of protein sequence and biophysical properties (such as structural, functional, and spatial information, amino acid conservation, physicochemical variation, residue mobility, and thermodynamic stability) has been performed for this missense variant. However, the output from this modeling did not meet the statistical confidence thresholds required to predict the impact of this variant on SDHB protein function. In summary, the available evidence is currently insufficient to determine the role of this variant in disease. Therefore, it has been classified as a Variant of Uncertain Significance.

Quest Diagnostics Nichols Institute San Juan Capistrano
Classification: Uncertain significance. Last evaluated: 2025-01-07. Review status: criteria provided, single submitter. Criteria: Quest Diagnostics criteria. Collection method: clinical testing. Allele origin: unknown.

Ambry Genetics
Classification: Uncertain significance for Hereditary cancer-predisposing syndrome. Last evaluated: 2024-01-19. Review status: criteria provided, single submitter. Criteria: Ambry Variant Classification Scheme 2023. Collection method: clinical testing. Allele origin: germline.
Comment: The p.S8F variant (also known as c.23C>T), located in coding exon 1 of the SDHB gene, results from a C to T substitution at nucleotide position 23. The serine at codon 8 is replaced by phenylalanine, an amino acid with highly dissimilar properties. This alteration has been reported in an individual with a sporadic para-adrenal paraganglioma (Castellano M et al. Ann. N. Y. Acad. Sci., 2006 Aug;1073:156-65). This amino acid position is highly conserved in available vertebrate species. In addition, this alteration is predicted to be deleterious by in silico analysis. Since supporting evidence is limited at this time, the clinical significance of this alteration remains unclear.

Baylor Genetics
Classification: Uncertain significance for Gastrointestinal stromal tumor. Last evaluated: 2023-12-18. Review status: criteria provided, single submitter. Criteria: ACMG Guidelines, 2015. Collection method: clinical testing. Allele origin: unknown.

GeneDx
Classification: Uncertain significance. Last evaluated: 2022-03-01. Review status: criteria provided, single submitter. Criteria: GeneDx Variant Classification Process June 2021. Collection method: clinical testing. Allele origin: germline. Affected: yes.
Comment: Not observed at significant frequency in large population cohorts (gnomAD); In silico analysis supports that this missense variant does not alter protein structure/function; Published functional studies suggest no damaging effect: no impact on growth or SDH activity in a yeast-based assay (Panizza 2013); This variant is associated with the following publications: (PMID: 26273102, 27442865, 17102082, 23175444)

Baylor Genetics
Classification: Uncertain significance for Gastrointestinal stromal tumor. Last evaluated: 2021-01-31. Review status: criteria provided, single submitter. Criteria: ACMG Guidelines, 2015. Collection method: clinical testing. Allele origin: unknown. Affected: yes. Study: CSER-TexasKidsCanSeq.
Comment: This variant was determined to be of uncertain significance according to ACMG Guidelines, 2015 [PMID:25741868].

Literature cited by the submitters: PubMed 17102082 (cited by Labcorp Genetics (formerly Invitae), Labcorp and Ambry Genetics).